The following is an entry in ClinVar:

NM_001008537.3(NEXMIF):c.2830A>G (p.Asn944Asp)

Gene: NEXMIF (neurite extension and migration factor; minus strand). Cytogenetic location: Xq13.3.
Variant type: single nucleotide variant.
Coding change: c.2830A>G on transcript NM_001008537.3 (MANE Select); coding-DNA position 2830, A replaced by G.
Protein change: p.Asn944Asp; replaces asparagine 944 with aspartic acid.
Molecular consequence: missense variant.
Genome position (GRCh38, 1-based): chrX:74,741,727, T>C on the plus strand (A>G on the coding strand, the complement: NEXMIF is on the minus strand). VCF-style: chrX-74741727-T-C. GRCh37 (hg19) VCF-style: chrX-73961562-T-C.
Other names: short protein forms N944D.
Identifiers: ClinVar variation 2080042 (VCV002080042.4), dbSNP rs2519913294, ClinGen allele CA413667341.
Genomic context (GRCh38, chrX:74,741,727, plus strand): 5'-AAGAGTCATCAGATGGGAGTTGGGTATCTTGCATGGAGTCATACAGGACCTTGTTGCAAT[T>C]ACTGCCACCACTATTGAGACAGATTGGATTGTATGTTGTAGGTGTGAGGTTATTTTCCAT-3'
Protein context (NP_001008537.1, residues 934-954): NPICLNSGGS[Asn944Asp]CNKVLYDSMQ

ClinVar aggregate classification (germline): Uncertain significance (1 of 4 stars; one submission).

Allele frequency attached by ClinVar (database versions not stated): gnomAD exomes below 0.00001.
gnomAD v4.1: 2 of 1,211,278 alleles (0.00017%); highest among the groups gnomAD compares: Non-Finnish European, 0.00022%; no homozygotes.

Submission:

Labcorp Genetics (formerly Invitae), Labcorp
Classification: Uncertain significance. Last evaluated: 2022-01-22. Review status: criteria provided, single submitter. Criteria: Invitae Variant Classification Sherloc (09022015). Collection method: clinical testing. Allele origin: germline.
Comment: In summary, the available evidence is currently insufficient to determine the role of this variant in disease. Therefore, it has been classified as a Variant of Uncertain Significance. Algorithms developed to predict the effect of missense changes on protein structure and function (SIFT, PolyPhen-2, Align-GVGD) all suggest that this variant is likely to be tolerated. This variant has not been reported in the literature in individuals affected with NEXMIF-related conditions. This variant is not present in population databases (gnomAD no frequency). This sequence change replaces asparagine, which is neutral and polar, with aspartic acid, which is acidic and polar, at codon 944 of the NEXMIF protein (p.Asn944Asp).